The following is an entry in ClinVar:

NM_001378418.1(TCF20):c.354T>C (p.Tyr118=)

Gene: TCF20 (transcription factor 20; minus strand). Cytogenetic location: 22q13.2.
Variant type: single nucleotide variant.
Coding change: c.354T>C on transcript NM_001378418.1 (MANE Select); coding-DNA position 354, T replaced by C.
Protein change: p.Tyr118=; no amino-acid change (tyrosine 118 retained).
Molecular consequence: synonymous variant.
Genome position (GRCh38, 1-based): chr22:42,214,952, A>G on the plus strand (T>C on the coding strand, the complement: TCF20 is on the minus strand). VCF-style: chr22-42214952-A-G. GRCh37 (hg19) VCF-style: chr22-42610958-A-G.
Other names: c.354T>C, p.Tyr118= (NM_005650.4, NM_181492.3).
Identifiers: ClinVar variation 712416 (VCV000712416.13), dbSNP rs34161538, ClinGen allele CA10267376.

ClinVar aggregate classification (germline): Benign/Likely benign. Review status: criteria provided, multiple submitters, no conflicts (2 of 4 stars). 4 submissions from 4 submitters: Benign (2); Likely benign (1). 1 of the submissions does not count toward it. Last evaluated 2026-01-28.

Conditions:
TCF20-related disorder. Also called: TCF20-related condition.

Allele frequency attached by ClinVar (database versions not stated): gnomAD exomes 0.00053 and 0.00138; ExAC 0.00173; gnomAD 0.00541 and 0.00581; 1000 Genomes Project 0.00579; TOPMed 0.00593; 1000 Genomes Project 30x 0.00640; ESP Exome Variant Server 0.00654.
gnomAD v4.1: 1,615 of 1,614,208 alleles (0.1%); highest among the groups gnomAD compares: African/African-American, 1.9%; 17 homozygotes.

Submissions (4):

Labcorp Genetics (formerly Invitae), Labcorp
Classification: Benign. Last evaluated: 2026-01-28. Review status: criteria provided, single submitter. Criteria: Invitae Variant Classification Sherloc (09022015). Collection method: clinical testing. Allele origin: germline.

Blueprint Genetics
Classification: Likely benign. Last evaluated: 2024-11-27. Review status: criteria provided, single submitter. Criteria: ACMG Guidelines, 2015. Collection method: clinical testing. Allele origin: germline.

Breakthrough Genomics
Classification: Benign. Review status: criteria provided, single submitter. Criteria: ACMG Guidelines, 2015. Collection method: not provided. Allele origin: germline. Inheritance: Autosomal dominant inheritance. Affected: yes.

PreventionGenetics, part of Exact Sciences
Classification: Benign for TCF20-related condition. Last evaluated: 2021-12-16. Review status: no assertion criteria provided. Collection method: clinical testing. Allele origin: germline. Not counted in ClinVar's aggregate classification.
Comment: This variant is classified as benign based on ACMG/AMP sequence variant interpretation guidelines (Richards et al. 2015 PMID: 25741868, with internal and published modifications).